The following is an entry in ClinVar:

ClinVar aggregate classification (germline): Likely benign. Review status: criteria provided, multiple submitters, no conflicts (2 of 4 stars). 3 submissions from 3 submitters: Likely benign (3). Last evaluated 2024-09-23.

Conditions:
Aortic aneurysm, familial thoracic 8 (AAT8). Identifiers: MedGen C3809513, MONDO:0014187, OMIM 615436.
Familial thoracic aortic aneurysm and aortic dissection (TAAD). Also called: Thoracic aortic aneurysms and dissections. Identifiers: Orphanet 91387, MedGen C4707243, MONDO:0019625.

gnomAD v4.1: 6 of 1,614,020 alleles (0.00037%); highest among the groups gnomAD compares: Non-Finnish European, 0.00051%; no homozygotes.

Submissions (3):

Labcorp Genetics (formerly Invitae), Labcorp
Classification: Likely benign for Aortic aneurysm, familial thoracic 8. Last evaluated: 2024-09-23. Review status: criteria provided, single submitter. Criteria: Invitae Variant Classification Sherloc (09022015). Collection method: clinical testing. Allele origin: germline.

Ambry Genetics
Classification: Likely benign for Familial thoracic aortic aneurysm and aortic dissection. Last evaluated: 2023-03-07. Review status: criteria provided, single submitter. Criteria: Ambry Variant Classification Scheme 2023. Collection method: clinical testing. Allele origin: germline.

GeneDx
Classification: Likely benign. Last evaluated: 2017-08-10. Review status: criteria provided, single submitter. Criteria: GeneDx Variant Classification (06012015). Collection method: clinical testing. Allele origin: germline. Affected: yes.
Comment: This variant is considered likely benign or benign based on one or more of the following criteria: it is a conservative change, it occurs at a poorly conserved position in the protein, it is predicted to be benign by multiple in silico algorithms, and/or has population frequency not consistent with disease.

NM_006258.4(PRKG1):c.153G>C (p.Ser51=)

Gene: PRKG1 (protein kinase cGMP-dependent 1; plus strand). Cytogenetic location: 10q11.23.
Variant type: single nucleotide variant.
Coding change: c.153G>C on transcript NM_006258.4 (MANE Select); coding-DNA position 153, G replaced by C.
Protein change: p.Ser51=; no amino-acid change (serine 51 retained).
Molecular consequence: synonymous variant. On other transcripts: intron variant (1).
Genome position (GRCh38, 1-based): chr10:51,074,743, G>C. VCF-style: chr10-51074743-G-C. GRCh37 (hg19) VCF-style: chr10-52834503-G-C.
Other names: c.267-78421G>C (LRG_1135t2, NM_001098512.3); c.153G>C, p.Ser51= (LRG_1135t1).
Identifiers: ClinVar variation 511414 (VCV000511414.6), dbSNP rs1400601775, ClinGen allele CA469795660.
Genomic context (GRCh38, chr10:51,074,743, plus strand): 5'-GTTGGATCAGAAGGACGAACTGATCCAGAAGCTGCAGAACGAGCTGGACAAGTACCGCTC[G>C]GTGATCCGACCAGCCACCCAGCAGGCGCAGAAGCAGAGCGCGAGCACCTTGCAGGGCGAG-3'
Protein context (NP_006249.1, residues 41-61): KLQNELDKYR[Ser51=]VIRPATQQAQ